The following is an entry in ClinVar:

ClinVar aggregate classification (germline): Uncertain significance. Review status: criteria provided, multiple submitters, no conflicts (2 of 4 stars). 4 submissions from 4 submitters: Uncertain significance (4). Last evaluated 2025-06-24.

Conditions:
Inborn genetic diseases. Identifiers: MedGen C0950123, MeSH D030342.
Giant axonal neuropathy 1 (GAN1). Also called: GAN-Related Neurodegeneration; GIANT AXONAL NEUROPATHY 1, AUTOSOMAL RECESSIVE. Identifiers: Orphanet 643, MedGen C1850386, MONDO:0009749, OMIM 256850.

Allele frequency attached by ClinVar (database versions not stated): ExAC 0.00002; gnomAD exomes 0.00002 and 0.00003; TOPMed 0.00002; gnomAD 0.00003.

Submissions (4):

Ambry Genetics
Classification: Uncertain significance for Inborn genetic diseases. Last evaluated: 2025-06-24. Review status: criteria provided, single submitter. Criteria: Ambry Variant Classification Scheme 2023. Collection method: clinical testing. Allele origin: germline.

CeGaT Center for Human Genetics Tuebingen
Classification: Uncertain significance. Last evaluated: 2023-03-01. Review status: criteria provided, single submitter. Criteria: CeGaT Center For Human Genetics Tuebingen Variant Classification Criteria Version 2. Collection method: clinical testing. Allele origin: germline. Affected: yes. Observed: 1 variant allele.
Comment: GAN: PM2

GeneDx
Classification: Uncertain significance. Last evaluated: 2022-01-10. Review status: criteria provided, single submitter. Criteria: GeneDx Variant Classification Process June 2021. Collection method: clinical testing. Allele origin: germline. Affected: yes.
Comment: Not observed at significant frequency in large population cohorts (gnomAD); Missense variants in this gene are often considered pathogenic (HGMD); In silico analysis supports that this missense variant does not alter protein structure/function; Has not been previously published as pathogenic or benign to our knowledge; This variant is associated with the following publications: (PMID: 27023907)

Labcorp Genetics (formerly Invitae), Labcorp
Classification: Uncertain significance for Giant axonal neuropathy 1. Last evaluated: 2021-12-03. Review status: criteria provided, single submitter. Criteria: Invitae Variant Classification Sherloc (09022015). Collection method: clinical testing. Allele origin: germline.
Comment: This sequence change replaces valine, which is neutral and non-polar, with isoleucine, which is neutral and non-polar, at codon 164 of the GAN protein (p.Val164Ile). The frequency data for this variant in the population databases is considered unreliable, as metrics indicate poor data quality at this position in the gnomAD database. This variant has not been reported in the literature in individuals affected with GAN-related conditions. Algorithms developed to predict the effect of missense changes on protein structure and function (SIFT, PolyPhen-2, Align-GVGD) all suggest that this variant is likely to be tolerated. In summary, the available evidence is currently insufficient to determine the role of this variant in disease. Therefore, it has been classified as a Variant of Uncertain Significance.

NM_022041.4(GAN):c.490G>A (p.Val164Ile)

Gene: GAN (gigaxonin; plus strand). Cytogenetic location: 16q23.2.
Variant type: single nucleotide variant.
Coding change: c.490G>A on transcript NM_022041.4 (MANE Select); coding-DNA position 490, G replaced by A.
Protein change: p.Val164Ile; replaces valine 164 with isoleucine.
Molecular consequence: missense variant. On other transcripts: 5 prime UTR variant (1).
Genome position (GRCh38, 1-based): chr16:81,354,612, G>A. VCF-style: chr16-81354612-G-A. GRCh37 (hg19) VCF-style: chr16-81388217-G-A.
Other names: c.-150G>A (NM_001377486.1); short protein forms V164I.
Identifiers: ClinVar variation 1403425 (VCV001403425.29), dbSNP rs778744880, ClinGen allele CA8191378.